The following is an entry in ClinVar:

ClinVar aggregate classification (germline): Likely pathogenic. Review status: criteria provided, multiple submitters, no conflicts (2 of 4 stars). 2 submissions from 2 submitters: Likely pathogenic (2). Last evaluated 2025-11-10.

Conditions:
RP1-related disorder. Also called: RP1-related condition.
Retinal disorder. Also called: Retinopathy; Retinal disorders; Retinopathies; Retinal Diseases. Identifiers: MedGen C0035309, MONDO:0005283, HP:0000488.

Submissions (2):

Genetics Laboratory, Great Ormond Street Hospital NHS Foundation Trust, North Thames Genomic Laboratory Hub
Classification: Likely pathogenic for Retinal disorders. Last evaluated: 2025-11-10. Review status: criteria provided, single submitter. Criteria: ACGS Best Practice Guidelines for Variant Classification in Rare Disease 2024 v1.2. Collection method: clinical testing. Allele origin: germline. Affected: yes.
Comment: PS4_moderate, PM2_moderate, PVS1_strong

Blueprint Genetics
Classification: Likely pathogenic for RP1-related disorders. Last evaluated: 2017-08-11. Review status: criteria provided, single submitter. Criteria: ACMG Guidelines, 2015. Collection method: clinical testing. Allele origin: germline. Affected: yes. Observed: 1 variant allele.

NM_006269.2(RP1):c.2232T>A (p.Cys744Ter)

Gene: RP1 (RP1 axonemal microtubule associated; plus strand). Cytogenetic location: 8q12.1.
Variant type: single nucleotide variant.
Coding change: c.2232T>A on transcript NM_006269.2 (MANE Select); coding-DNA position 2232, T replaced by A.
Protein change: p.Cys744Ter; replaces cysteine 744 with a stop codon.
Molecular consequence: nonsense. On other transcripts: intron variant (1).
Genome position (GRCh38, 1-based): chr8:54,626,114, T>A. VCF-style: chr8-54626114-T-A. GRCh37 (hg19) VCF-style: chr8-55538674-T-A.
Other names: c.787+3826T>A (NM_001375654.1); short protein forms C744*.
Identifiers: ClinVar variation 866707 (VCV000866707.3), dbSNP rs1806037949, ClinGen allele CA370993083.